The following is an entry in ClinVar:

NM_000551.4(VHL):c.552C>T (p.Leu184=)

Genes: VHL (von Hippel-Lindau tumor suppressor; plus strand), LOC107303340 (3p25 von Hippel-Lindau tumor suppressor, E3 ubiquitin protein ligase Alu-mediated recombination region; plus strand). Cytogenetic location: 3p25.3.
Variant type: single nucleotide variant.
Coding change: c.552C>T on transcript NM_000551.4 (MANE Select); coding-DNA position 552, C replaced by T.
Protein change: p.Leu184=; no amino-acid change (leucine 184 retained).
Molecular consequence: synonymous variant. On other transcripts: 3 prime UTR variant (1).
Genome position (GRCh38, 1-based): chr3:10,149,875, C>T. VCF-style: chr3-10149875-C-T. GRCh37 (hg19) VCF-style: chr3-10191559-C-T.
Other names: c.*106C>T (NM_001354723.2); c.429C>T, p.Leu143= (NM_198156.3).
Identifiers: ClinVar variation 215769 (VCV000215769.45), dbSNP rs779157605, ClinGen allele CA041571.
Genomic context (GRCh38, chr3:10,149,875, plus strand): 5'-GGTTGTCCGGAGCCTAGTCAAGCCTGAGAATTACAGGAGACTGGACATCGTCAGGTCGCT[C>T]TACGAAGATCTGGAAGACCACCCAAATGTGCAGAAAGACCTGGAGCGGCTGACACAGGAG-3'
Protein context (NP_000542.1, residues 174-194): NYRRLDIVRS[Leu184=]YEDLEDHPNV

ClinVar aggregate classification (germline): Benign/Likely benign. Review status: criteria provided, multiple submitters, no conflicts (2 of 4 stars). 10 submissions from 10 submitters: Benign (2); Likely benign (7). 1 of the submissions does not count toward it. Last evaluated 2026-05-01.

Conditions:
Chuvash polycythemia. Also called: POLYCYTHEMIA, VHL-DEPENDENT. Identifiers: Orphanet 238557, MedGen C1837915, MONDO:0009892, OMIM 263400.
Von Hippel-Lindau syndrome (VHLS). Also called: Von Hippel-Lindau; VHL syndrome; von Hippel–Lindau syndrome. Identifiers: Orphanet 892, MedGen C0019562, MONDO:0008667, OMIM 193300. Disease mechanism: loss of function.
Hereditary cancer-predisposing syndrome. Also called: Tumor predisposition; Neoplastic Syndromes, Hereditary; Hereditary Cancer Syndrome; Hereditary neoplastic syndrome. Identifiers: Orphanet 140162, MedGen C0027672, MeSH D009386, MONDO:0015356.

Allele frequency attached by ClinVar (database versions not stated): ExAC 0.00001; gnomAD exomes 0.00001; gnomAD 0.00005; TOPMed 0.00006.
gnomAD v4.1: 62 of 1,614,026 alleles (0.0038%); highest among the groups gnomAD compares: Non-Finnish European, 0.0051%; no homozygotes.

Submissions (10):

CeGaT Center for Human Genetics Tuebingen
Classification: Likely benign. Last evaluated: 2026-05-01. Review status: criteria provided, single submitter. Criteria: CeGaT Center For Human Genetics Tuebingen Variant Classification Criteria Version 2. Collection method: clinical testing. Allele origin: germline. Affected: yes. Observed: 3 variant alleles.
Comment: VHL: BP4, BP7

Labcorp Genetics (formerly Invitae), Labcorp
Classification: Likely benign for Von Hippel-Lindau syndrome; Chuvash polycythemia. Last evaluated: 2026-01-14. Review status: criteria provided, single submitter. Criteria: Invitae Variant Classification Sherloc (09022015). Collection method: clinical testing. Allele origin: germline.

Myriad Genetics, Inc.
Classification: Benign for Von Hippel-Lindau syndrome. Last evaluated: 2025-06-13. Review status: criteria provided, single submitter. Criteria: Myriad Autosomal Dominant, Autosomal Recessive and X-Linked Classification Criteria (2023). Collection method: clinical testing. Allele origin: unknown.
Comment: This variant is considered benign. This variant is a silent/synonymous amino acid change and it is not expected to impact splicing.

Blueprint Genetics
Classification: Likely benign. Last evaluated: 2024-10-02. Review status: criteria provided, single submitter. Criteria: ACMG Guidelines, 2015. Collection method: clinical testing. Allele origin: germline.

All of Us Research Program, National Institutes of Health
Classification: Likely benign for Von Hippel-Lindau syndrome. Last evaluated: 2024-02-05. Review status: criteria provided, single submitter. Criteria: ACMG Guidelines, 2015. Collection method: clinical testing. Allele origin: germline. Inheritance: Autosomal dominant inheritance. Observed: 25 variant alleles, 25 heterozygotes.
Comment: This study involves interpretation of variants in research participants for the purpose of population health screening. Participant phenotype was not available at the time of variant classification. Additional details can be found in publication PMID: 35346344, PMCID: PMC8962531

Color Diagnostics, LLC DBA Color Health
Classification: Likely benign for Von Hippel-Lindau syndrome. Last evaluated: 2022-04-27. Review status: criteria provided, single submitter. Criteria: ACMG Guidelines, 2015. Collection method: clinical testing. Allele origin: germline.

Sema4
Classification: Likely benign for Hereditary cancer-predisposing syndrome. Last evaluated: 2021-06-19. Review status: criteria provided, single submitter. Criteria: Sema4 Curation Guidelines. Collection method: curation. Allele origin: germline.

Ambry Genetics
Classification: Likely benign for Hereditary cancer-predisposing syndrome. Last evaluated: 2015-08-30. Review status: criteria provided, single submitter. Criteria: Ambry Variant Classification Scheme 2023. Collection method: clinical testing. Allele origin: germline.

GeneDx
Classification: Benign. Last evaluated: 2015-05-08. Review status: criteria provided, single submitter. Criteria: GeneDx Variant Classification (06012015). Collection method: clinical testing. Allele origin: germline. Affected: yes.
Comment: This variant is considered likely benign or benign based on one or more of the following criteria: it is a conservative change, it occurs at a poorly conserved position in the protein, it is predicted to be benign by multiple in silico algorithms, and/or has population frequency not consistent with disease.

Counsyl
Classification: Likely benign for Von Hippel-Lindau syndrome. Last evaluated: 2016-09-21. Review status: no assertion criteria provided. Collection method: clinical testing. Allele origin: unknown. Not counted in ClinVar's aggregate classification.